The following is an entry in ClinVar:

NM_001330063.2(ANKFY1):c.3171C>T (p.Ala1057=)

Gene: ANKFY1 (ankyrin repeat and FYVE domain containing 1; minus strand). Cytogenetic location: 17p13.2.
Variant type: single nucleotide variant.
Coding change: c.3171C>T on transcript NM_001330063.2 (MANE Select); coding-DNA position 3171, C replaced by T.
Protein change: p.Ala1057=; no amino-acid change (alanine 1057 retained).
Molecular consequence: synonymous variant. On other transcripts: non-coding transcript variant (1).
Genome position (GRCh38, 1-based): chr17:4,170,830, G>A on the plus strand (C>T on the coding strand, the complement: ANKFY1 is on the minus strand). VCF-style: chr17-4170830-G-A. GRCh37 (hg19) VCF-style: chr17-4074124-G-A.
Other names: c.3297C>T, p.Ala1099= (NM_001257999.3); c.3174C>T, p.Ala1058= (NM_016376.5).
Identifiers: ClinVar variation 3047657 (VCV003047657.2), dbSNP rs144397517, ClinGen allele CA8300887.

ClinVar aggregate classification (germline): Likely benign (0 of 4 stars; one submission).

Conditions:
ANKFY1-related disorder. Also called: ANKFY1-related condition.

Allele frequency attached by ClinVar (database versions not stated): gnomAD exomes 0.00008; ExAC 0.00034; ESP Exome Variant Server 0.00078; gnomAD 0.00124; TOPMed 0.00137; 1000 Genomes Project 0.00160; 1000 Genomes Project 30x 0.00172.
gnomAD v4.1: 333 of 1,614,120 alleles (0.021%); highest among the groups gnomAD compares: African/African-American, 0.33%; 2 homozygotes.

Submission:

PreventionGenetics, part of Exact Sciences
Classification: Likely benign for ANKFY1-related condition. Last evaluated: 2021-05-21. Review status: no assertion criteria provided. Collection method: clinical testing. Allele origin: germline.
Comment: This variant is classified as likely benign based on ACMG/AMP sequence variant interpretation guidelines (Richards et al. 2015 PMID: 25741868, with internal and published modifications).